The following is an entry in ClinVar:

ClinVar aggregate classification (germline): Likely benign (1 of 4 stars; one submission).

Submission:

Mayo Clinic Laboratories, Mayo Clinic
Classification: Likely benign. Last evaluated: 2025-03-10. Review status: criteria provided, single submitter. Criteria: ACMG Guidelines, 2015. Collection method: clinical testing. Allele origin: germline. Observed: 1 variant allele.
Comment: BP4, BP7

NM_000038.6(APC):c.4584T>G (p.Val1528=)

Gene: APC (APC regulator of Wnt signaling pathway; plus strand). Cytogenetic location: 5q22.2.
Variant type: single nucleotide variant.
Coding change: c.4584T>G on transcript NM_000038.6 (MANE Select); coding-DNA position 4584, T replaced by G.
Protein change: p.Val1528=; no amino-acid change (valine 1528 retained).
Molecular consequence: synonymous variant. On other transcripts: non-coding transcript variant (2).
Genome position (GRCh38, 1-based): chr5:112,840,178, T>G. VCF-style: chr5-112840178-T-G. GRCh37 (hg19) VCF-style: chr5-112175875-T-G.
Other names: p.Val1528=; c.4584T>G, p.Val1528= (NM_001127510.3, NM_001354895.2, NM_001407450.1); c.4530T>G, p.Val1510= (NM_001127511.3); c.4638T>G, p.Val1546= (NM_001354896.2, NM_001407447.1, NM_001407448.1 and 1 more transcripts); c.4614T>G, p.Val1538= (NM_001354897.2); c.4509T>G, p.Val1503= (NM_001354898.2); c.4500T>G, p.Val1500= (NM_001354899.2); c.4461T>G, p.Val1487= (NM_001354900.2); and 12 more.
Identifiers: ClinVar variation 4684855 (VCV004684855.1).